The following is an entry in ClinVar:

ClinVar aggregate classification (germline): Uncertain significance. Review status: criteria provided, multiple submitters, no conflicts (2 of 4 stars). 2 submissions from 2 submitters: Uncertain significance (2). Last evaluated 2025-01-20.

Conditions:
Cardiovascular phenotype. Identifiers: MedGen CN230736.
Cholestanol storage disease (CTX). Also called: CEREBRAL CHOLESTERINOSIS; CTX: Cerebrotendinous xanthomatosis; Cerebrotendinous Xanthomatosis. Identifiers: Orphanet 909, MedGen C0238052, MONDO:0008948, OMIM 213700.

gnomAD v4.1: 50 of 1,614,040 alleles (0.0031%); highest among the groups gnomAD compares: South Asian, 0.033%; no homozygotes.

Submissions (2):

Labcorp Genetics (formerly Invitae), Labcorp
Classification: Uncertain significance for Cholestanol storage disease. Last evaluated: 2025-01-20. Review status: criteria provided, single submitter. Criteria: Invitae Variant Classification Sherloc (09022015). Collection method: clinical testing. Allele origin: germline.
Comment: This sequence change replaces arginine, which is basic and polar, with histidine, which is basic and polar, at codon 262 of the CYP27A1 protein (p.Arg262His). This variant is present in population databases (rs757682669, gnomAD 0.02%). This variant has not been reported in the literature in individuals affected with CYP27A1-related conditions. ClinVar contains an entry for this variant (Variation ID: 1355504). Invitae Evidence Modeling of protein sequence and biophysical properties (such as structural, functional, and spatial information, amino acid conservation, physicochemical variation, residue mobility, and thermodynamic stability) indicates that this missense variant is not expected to disrupt CYP27A1 protein function with a negative predictive value of 80%. In summary, the available evidence is currently insufficient to determine the role of this variant in disease. Therefore, it has been classified as a Variant of Uncertain Significance.

Ambry Genetics
Classification: Uncertain significance for Cardiovascular phenotype. Last evaluated: 2024-12-09. Review status: criteria provided, single submitter. Criteria: Ambry Variant Classification Scheme 2023. Collection method: clinical testing. Allele origin: germline.
Comment: The p.R262H variant (also known as c.785G>A), located in coding exon 4 of the CYP27A1 gene, results from a G to A substitution at nucleotide position 785. The arginine at codon 262 is replaced by histidine, an amino acid with highly similar properties. This amino acid position is conserved. In addition, this alteration is predicted to be tolerated by in silico analysis. Based on the available evidence, the clinical significance of this variant remains unclear.

NM_000784.4(CYP27A1):c.785G>A (p.Arg262His)

Gene: CYP27A1 (cytochrome P450 family 27 subfamily A member 1; plus strand). Cytogenetic location: 2q35.
Variant type: single nucleotide variant.
Coding change: c.785G>A on transcript NM_000784.4 (MANE Select); coding-DNA position 785, G replaced by A.
Protein change: p.Arg262His; replaces arginine 262 with histidine.
Molecular consequence: missense variant.
Genome position (GRCh38, 1-based): chr2:218,812,690, G>A. VCF-style: chr2-218812690-G-A. GRCh37 (hg19) VCF-style: chr2-219677413-G-A.
Other names: c.785G>A (NM_000784.3); short protein forms R262H.
Identifiers: ClinVar variation 1355504 (VCV001355504.7), dbSNP rs757682669, ClinGen allele CA2112715.